The following is an entry in ClinVar:

NM_024675.4(PALB2):c.115C>G (p.Gln39Glu)

Gene: PALB2 (partner and localizer of BRCA2; minus strand). Cytogenetic location: 16p12.2.
Variant type: single nucleotide variant.
Coding change: c.115C>G on transcript NM_024675.4 (MANE Select); coding-DNA position 115, C replaced by G.
Protein change: p.Gln39Glu; replaces glutamine 39 with glutamic acid.
Molecular consequence: missense variant. On other transcripts: 5 prime UTR variant (8), intron variant (3).
Genome position (GRCh38, 1-based): chr16:23,637,946, G>C on the plus strand (C>G on the coding strand, the complement: PALB2 is on the minus strand). VCF-style: chr16-23637946-G-C. GRCh37 (hg19) VCF-style: chr16-23649267-G-C.
Other names: c.55C>G, p.Gln19Glu (NM_001407296.1); c.115C>G, p.Gln39Glu (NM_001407297.1, NM_001407298.1, NM_001407299.1 and 3 more transcripts); c.-771C>G (NM_001407304.1, NM_001407305.1, NM_001407306.1 and 5 more transcripts); c.48+3164C>G (NM_001407314.1); c.-105+3164C>G (NM_001407313.1, NM_001407312.1); short protein forms Q19E, Q39E.
Identifiers: ClinVar variation 2776456 (VCV002776456.4), dbSNP rs876659319, ClinGen allele CA395139464.

ClinVar aggregate classification (germline): Uncertain significance. Review status: criteria provided, multiple submitters, no conflicts (2 of 4 stars). 2 submissions from 2 submitters: Uncertain significance (2). Last evaluated 2024-11-22.

Conditions:
Familial cancer of breast. Also called: Hereditary breast cancer; BREAST CANCER, FAMILIAL; hereditary breast carcinoma. Identifiers: Orphanet 227535, MedGen C0346153, MONDO:0016419, OMIM 114480. Disease mechanism: loss of function.

Submissions (2):

ARUP Laboratories, Molecular Genetics and Genomics, ARUP Laboratories
Classification: Uncertain significance. Last evaluated: 2024-11-22. Review status: criteria provided, single submitter. Criteria: ARUP Molecular Germline Variant Investigation Process 2024. Collection method: clinical testing. Allele origin: germline.
Comment: The PALB2 c.115C>G; p.Gln39Glu variant, to our knowledge, is not reported in the medical literature but is reported in ClinVar (Variation ID: 2776456). This variant is absent from the Genome Aggregation Database (v2.1.1), indicating it is not a common polymorphism. Computational analyses predict that this variant is neutral (REVEL: 0.069). However, given the lack of clinical and functional data, the significance of this variant is uncertain at this time.

Labcorp Genetics (formerly Invitae), Labcorp
Classification: Uncertain significance for Familial cancer of breast. Last evaluated: 2023-04-26. Review status: criteria provided, single submitter. Criteria: Invitae Variant Classification Sherloc (09022015). Collection method: clinical testing. Allele origin: germline.
Comment: In summary, the available evidence is currently insufficient to determine the role of this variant in disease. Therefore, it has been classified as a Variant of Uncertain Significance. An algorithm developed to predict the effect of missense changes on protein structure and function (PolyPhen-2) suggests that this variant is likely to be disruptive. This variant has not been reported in the literature in individuals affected with PALB2-related conditions. This variant is not present in population databases (gnomAD no frequency). This sequence change replaces glutamine, which is neutral and polar, with glutamic acid, which is acidic and polar, at codon 39 of the PALB2 protein (p.Gln39Glu).